The following is an entry in ClinVar:

NM_000318.3(PEX2):c.*2004C>T

Gene: PEX2 (peroxisomal biogenesis factor 2; minus strand). Cytogenetic location: 8q21.13.
Variant type: single nucleotide variant.
Coding change: c.*2004C>T on transcript NM_000318.3 (MANE Select); 2004 bases downstream of the stop codon, C replaced by T.
Molecular consequence: 3 prime UTR variant.
Genome position (GRCh38, 1-based): chr8:76,981,257, G>A on the plus strand (C>T on the coding strand, the complement: PEX2 is on the minus strand). VCF-style: chr8-76981257-G-A. GRCh37 (hg19) VCF-style: chr8-77893493-G-A.
Other names: c.*2004C>T (NM_001079867.2, NM_001172086.2, NM_001172087.2).
Identifiers: ClinVar variation 912307 (VCV000912307.4), dbSNP rs117344716, ClinGen allele CA179988016.

ClinVar aggregate classification (germline): Likely benign (1 of 4 stars; one submission).

Conditions:
Peroxisome biogenesis disorder 5A (Zellweger) (PBD5A). Identifiers: Orphanet 912, MedGen C3553940, MONDO:0013932, OMIM 614866.

Allele frequency attached by ClinVar (database versions not stated): gnomAD 0.00048 and 0.00063; 1000 Genomes Project 30x 0.00156; 1000 Genomes Project 0.00180.

Submission:

Illumina Laboratory Services, Illumina
Classification: Likely benign for Peroxisome biogenesis disorder 5A (Zellweger). Last evaluated: 2017-04-27. Review status: criteria provided, single submitter. Criteria: ICSL Variant Classification Criteria 13 December 2019. Collection method: clinical testing. Allele origin: germline.
Comment: This variant was observed as part of a predisposition screen in an ostensibly healthy population. A literature search was performed for the gene, cDNA change, and amino acid change (where applicable). No publications were found based on this search. Allele frequency data from public databases allowed determination this variant is unlikely to cause disease. Therefore, this variant is classified as likely benign.